The following is an entry in ClinVar:

ClinVar aggregate classification (germline): Conflicting classifications of pathogenicity. Review status: criteria provided, conflicting classifications (1 of 4 stars). 9 submissions from 9 submitters: Uncertain significance (8); Likely benign (1). Last evaluated 2025-06-13.

Conditions:
Primary ciliary dyskinesia. Also called: Ciliary dyskinesia. Identifiers: Orphanet 244, MedGen C0008780, MONDO:0016575, HP:0012265.
Primary ciliary dyskinesia 13. Also called: CILIARY DYSKINESIA, PRIMARY, 13, WITH OR WITHOUT SITUS INVERSUS. Identifiers: Orphanet 244, MedGen C2750790, MONDO:0013174, OMIM 613193.

Allele frequency attached by ClinVar (database versions not stated): gnomAD 0.00013 and 0.00015; ESP Exome Variant Server 0.00015; gnomAD exomes 0.00015 and 0.00023; ExAC 0.00019; TOPMed 0.00020; 1000 Genomes Project 30x 0.00031; 1000 Genomes Project 0.00040.
gnomAD v4.1: 369 of 1,613,884 alleles (0.023%); highest among the groups gnomAD compares: Middle Eastern, 0.8%; 4 homozygotes.

Submissions (9):

Ambry Genetics
Classification: Likely benign for Primary ciliary dyskinesia. Last evaluated: 2025-06-13. Review status: criteria provided, single submitter. Criteria: Ambry Variant Classification Scheme 2023. Collection method: clinical testing. Allele origin: germline.

Fulgent Genetics
Classification: Uncertain significance for Primary ciliary dyskinesia 13. Last evaluated: 2024-04-01. Review status: criteria provided, single submitter. Criteria: ACMG Guidelines, 2015. Collection method: clinical testing. Allele origin: germline.

Blueprint Genetics
Classification: Uncertain significance. Last evaluated: 2024-03-08. Review status: criteria provided, single submitter. Criteria: ACMG Guidelines, 2015. Collection method: clinical testing. Allele origin: germline.

Labcorp Genetics (formerly Invitae), Labcorp
Classification: Uncertain significance for Primary ciliary dyskinesia. Last evaluated: 2023-12-07. Review status: criteria provided, single submitter. Criteria: Invitae Variant Classification Sherloc (09022015). Collection method: clinical testing. Allele origin: germline.
Comment: This sequence change replaces glutamic acid, which is acidic and polar, with valine, which is neutral and non-polar, at codon 402 of the DNAAF1 protein (p.Glu402Val). This variant is present in population databases (rs144034147, gnomAD 0.02%). This missense change has been observed in individuals with clinical features of primary ciliary dyskinesia (Invitae). ClinVar contains an entry for this variant (Variation ID: 402597). Algorithms developed to predict the effect of missense changes on protein structure and function output the following: SIFT: "Not Available"; PolyPhen-2: "Benign"; Align-GVGD: "Not Available". The valine amino acid residue is found in multiple mammalian species, which suggests that this missense change does not adversely affect protein function. In summary, the available evidence is currently insufficient to determine the role of this variant in disease. Therefore, it has been classified as a Variant of Uncertain Significance.

Revvity Omics, Revvity
Classification: Uncertain significance for Primary ciliary dyskinesia 13. Last evaluated: 2021-04-13. Review status: criteria provided, single submitter. Criteria: ACMG Guidelines, 2015. Collection method: clinical testing. Allele origin: germline.

Baylor Genetics
Classification: Uncertain significance for Primary ciliary dyskinesia 13. Last evaluated: 2019-09-06. Review status: criteria provided, single submitter. Criteria: ACMG Guidelines, 2015. Collection method: clinical testing. Allele origin: unknown. Affected: yes.
Comment: This variant was determined to be of uncertain significance according to ACMG Guidelines, 2015 [PMID:25741868].

Eurofins Ntd Llc (ga)
Classification: Uncertain significance. Last evaluated: 2017-04-14. Review status: criteria provided, single submitter. Criteria: EGL Classification Definitions 2015. Collection method: clinical testing. Allele origin: germline. Observed: 1 variant allele, 1 heterozygote.

Laboratory for Molecular Medicine, Mass General Brigham Personalized Medicine
Classification: Uncertain significance. Last evaluated: 2016-03-29. Review status: criteria provided, single submitter. Criteria: LMM Criteria. Collection method: clinical testing. Allele origin: germline.
Comment: Variant identified in a genome or exome case(s) and assessed due to predicted null impact of the variant or pathogenic assertions in the literature or databases. Disclaimer: This variant has not undergone full assessment. The following are preliminary notes: Gene associated with PCD and seminoma, no second allele

Breakthrough Genomics
Classification: Uncertain significance. Review status: criteria provided, single submitter. Criteria: ACMG Guidelines, 2015. Collection method: not provided. Allele origin: germline. Inheritance: Autosomal recessive inheritance. Affected: yes.

NM_178452.6(DNAAF1):c.1205A>T (p.Glu402Val)

Gene: DNAAF1 (dynein axonemal assembly factor 1; plus strand). Cytogenetic location: 16q24.1.
Variant type: single nucleotide variant.
Coding change: c.1205A>T on transcript NM_178452.6 (MANE Select); coding-DNA position 1205, A replaced by T.
Protein change: p.Glu402Val; replaces glutamic acid 402 with valine.
Molecular consequence: missense variant.
Genome position (GRCh38, 1-based): chr16:84,170,033, A>T. VCF-style: chr16-84170033-A-T. GRCh37 (hg19) VCF-style: chr16-84203639-A-T.
Other names: c.497A>T, p.Glu166Val (NM_001318756.1); short protein forms E402V, E166V.
Identifiers: ClinVar variation 402597 (VCV000402597.25), dbSNP rs144034147, ClinGen allele CA8202792.